The following is an entry in ClinVar:

ClinVar aggregate classification (germline): Benign. Review status: criteria provided, multiple submitters, no conflicts (2 of 4 stars). 2 submissions from 2 submitters: Benign (2). Last evaluated 2026-06-08.

Allele frequency attached by ClinVar (database versions not stated): TOPMed 0.00113; 1000 Genomes Project 0.00160; 1000 Genomes Project 30x 0.00172; gnomAD exomes 0.00015 and 0.00033; ExAC 0.00040; ESP Exome Variant Server 0.00049.
gnomAD v4.1: 378 of 1,607,644 alleles (0.024%); highest among the groups gnomAD compares: African/African-American, 0.29%; no homozygotes.

Submissions (2):

Women's Health and Genetics/Laboratory Corporation of America, LabCorp
Classification: Benign. Last evaluated: 2026-06-08. Review status: criteria provided, single submitter. Criteria: LabCorp Variant Classification Summary - May 2015. Collection method: clinical testing. Allele origin: germline.
Comment: Variant summary: AP3D1 c.96+11C>T alters a nucleotide located at a position not widely known to affect splicing. Several computational tools predict a significant impact on normal splicing: Three predict the variant creates a 5' donor site. However, these predictions have yet to be confirmed by functional studies. The variant allele was found at a frequency of 0.00033 in 238074 control chromosomes, predominantly at a frequency of 0.0041 within the African or African-American subpopulation in the gnomAD database. The observed variant frequency within African or African-American control individuals in the gnomAD database exceeds the estimated maximal expected allele frequency for disease-causing variants in AP3D1. To our knowledge, no occurrence of c.96+11C>T in individuals affected with AP3D1-related conditions and no experimental evidence demonstrating its impact on protein function have been reported. ClinVar contains an entry for this variant (Variation ID: 1169261). Based on the evidence outlined above, the variant was classified as benign.

Labcorp Genetics (formerly Invitae), Labcorp
Classification: Benign. Last evaluated: 2026-01-27. Review status: criteria provided, single submitter. Criteria: Invitae Variant Classification Sherloc (09022015). Collection method: clinical testing. Allele origin: germline.

NM_001261826.3(AP3D1):c.96+11C>T

Gene: AP3D1 (adaptor related protein complex 3 subunit delta 1; minus strand). Cytogenetic location: 19p13.3.
Variant type: single nucleotide variant.
Coding change: c.96+11C>T on transcript NM_001261826.3 (MANE Select); 11 bases into the intron after coding-DNA position 96, C replaced by T.
Molecular consequence: intron variant.
Genome position (GRCh38, 1-based): chr19:2,151,228, G>A on the plus strand (C>T on the coding strand, the complement: AP3D1 is on the minus strand). VCF-style: chr19-2151228-G-A. GRCh37 (hg19) VCF-style: chr19-2151227-G-A.
Other names: c.96+11C>T (NM_003938.8, NM_001374799.1).
Identifiers: ClinVar variation 1169261 (VCV001169261.10), dbSNP rs138883145, ClinGen allele CA9059885.
Genomic context (GRCh38, chr19:2,151,228, plus strand): 5'-CAGTGAGCAGGGCTGGGCCCTGGGCCGGGGCTGTGACCAGGCCGAGCAGCCCCTTGGCGC[G>A]CCGGGCTCACCTCGTCCTCCTTGTGGTTACGGATGCCGCGGACCAAGTCCTGCAGATTCT-3'